The following is an entry in ClinVar:

NM_001879.6(MASP1):c.1770del (p.Lys591fs)

Gene: MASP1 (MBL associated serine protease 1; minus strand). Cytogenetic location: 3q27.3.
Variant type: Deletion.
Coding change: c.1770del on transcript NM_001879.6 (MANE Plus Clinical); coding-DNA position 1770, one base deleted (G; older notation c.1770delG).
Protein change: p.Lys591fs; shifts the reading frame from lysine 591.
Molecular consequence: frameshift variant.
Genome position (GRCh38, 1-based): chr3:187,223,166, C deleted on the plus strand (G on the coding strand, the reverse complement: MASP1 is on the minus strand); the first of 5 consecutive C bases (chr3:187,223,166-187,223,170); deleting any one gives the same sequence. VCF-style (leftmost placement, unchanged base first): chr3-187223165-TC-T. GRCh37 (hg19) VCF-style: chr3-186940953-TC-T.
Other names: c.1770delG (NM_001879.6); short protein forms K591fs.
Identifiers: ClinVar variation 2654344 (VCV002654344.23), dbSNP rs533160857, ClinGen allele CA2748791.
Genomic context (GRCh38, chr3:187,223,165, plus strand): 5'-TAGGTTATAAAGTGAACTTCACCTCCATCAGGGTCTCTGGGAACCTTTGCAAGAACTGCT[TC>T]CCCCAGCCGCTGACGATGACCATGGCTCCTGGAGGAGAGAAGATACTGTGAGAACAGAGA-3'

ClinVar aggregate classification (germline): Conflicting classifications of pathogenicity. Review status: criteria provided, conflicting classifications (1 of 4 stars). 2 submissions from 2 submitters: Likely pathogenic (1); Likely benign (1). Last evaluated 2025-06-01.

Conditions:
3MC syndrome 1. Also called: CRANIOSYNOSTOSIS WITH LID ANOMALIES; OCULOPALATOSKELETAL SYNDROME; MICHELS SYNDROME. Identifiers: Orphanet 293843, MedGen C0796059, MONDO:0009770, OMIM 257920.

Submissions (2):

CeGaT Center for Human Genetics Tuebingen
Classification: Likely benign. Last evaluated: 2025-06-01. Review status: criteria provided, single submitter. Criteria: CeGaT Center For Human Genetics Tuebingen Variant Classification Criteria Version 2. Collection method: clinical testing. Allele origin: germline. Affected: yes. Observed: 2 variant alleles.
Comment: MASP1: BS2

First Genomix Gene Laboratory, Genetic Diagnostics Department
Classification: Likely pathogenic for 3MC syndrome 1. Last evaluated: 2025-03-19. Review status: criteria provided, single submitter. Criteria: ACMG Guidelines, 2015. Collection method: clinical testing. Allele origin: germline. Inheritance: Autosomal recessive inheritance. Affected: no. Observed: 1 variant allele.